The following is an entry in ClinVar:

NM_005732.4(RAD50):c.481G>T (p.Asp161Tyr)

Gene: RAD50 (RAD50 double strand break repair protein; plus strand). Cytogenetic location: 5q31.1.
Variant type: single nucleotide variant.
Coding change: c.481G>T on transcript NM_005732.4 (MANE Select); coding-DNA position 481, G replaced by T.
Protein change: p.Asp161Tyr; replaces aspartic acid 161 with tyrosine.
Molecular consequence: missense variant.
Genome position (GRCh38, 1-based): chr5:132,579,432, G>T. VCF-style: chr5-132579432-G-T. GRCh37 (hg19) VCF-style: chr5-131915124-G-T.
Other names: short protein forms D161Y.
Identifiers: ClinVar variation 665974 (VCV000665974.13), dbSNP rs770695705, ClinGen allele CA3404988.

ClinVar aggregate classification (germline): Uncertain significance. Review status: criteria provided, multiple submitters, no conflicts (2 of 4 stars). 2 submissions from 2 submitters: Uncertain significance (2). Last evaluated 2020-07-08.

Conditions:
Hereditary cancer-predisposing syndrome. Also called: Tumor predisposition; Hereditary neoplastic syndrome; Neoplastic Syndromes, Hereditary; Hereditary Cancer Syndrome. Identifiers: Orphanet 140162, MedGen C0027672, MeSH D009386, MONDO:0015356.

Allele frequency attached by ClinVar (database versions not stated): gnomAD exomes below 0.00001; TOPMed below 0.00001; ExAC 0.00001; gnomAD 0.00001.

Submissions (2):

Labcorp Genetics (formerly Invitae), Labcorp
Classification: Uncertain significance for Hereditary cancer-predisposing syndrome. Last evaluated: 2020-07-08. Review status: criteria provided, single submitter. Criteria: Invitae Variant Classification Sherloc (09022015). Collection method: clinical testing. Allele origin: germline.
Comment: In summary, the available evidence is currently insufficient to determine the role of this variant in disease. Therefore, it has been classified as a Variant of Uncertain Significance. Algorithms developed to predict the effect of missense changes on protein structure and function (SIFT, PolyPhen-2, Align-GVGD) all suggest that this variant is likely to be disruptive, but these predictions have not been confirmed by published functional studies and their clinical significance is uncertain. This variant has not been reported in the literature in individuals with RAD50-related conditions. This variant is present in population databases (rs770695705, ExAC 0.01%). This sequence change replaces aspartic acid with tyrosine at codon 161 of the RAD50 protein (p.Asp161Tyr). The aspartic acid residue is moderately conserved and there is a large physicochemical difference between aspartic acid and tyrosine.

Ambry Genetics
Classification: Uncertain significance for Hereditary cancer-predisposing syndrome. Last evaluated: 2019-08-08. Review status: criteria provided, single submitter. Criteria: Ambry Variant Classification Scheme 2023. Collection method: clinical testing. Allele origin: germline.
Comment: The p.D161Y variant (also known as c.481G>T), located in coding exon 4 of the RAD50 gene, results from a G to T substitution at nucleotide position 481. The aspartic acid at codon 161 is replaced by tyrosine, an amino acid with highly dissimilar properties. This amino acid position is highly conserved in available vertebrate species. In addition, the in silico prediction for this alteration is inconclusive. Since supporting evidence is limited at this time, the clinical significance of this alteration remains unclear.